The following is an entry in ClinVar:

NM_014675.5(CROCC):c.1032G>A (p.Thr344=)

Gene: CROCC (ciliary rootlet coiled-coil, rootletin; plus strand). Cytogenetic location: 1p36.13.
Variant type: single nucleotide variant.
Coding change: c.1032G>A on transcript NM_014675.5 (MANE Select); coding-DNA position 1032, G replaced by A.
Protein change: p.Thr344=; no amino-acid change (threonine 344 retained).
Molecular consequence: synonymous variant.
Genome position (GRCh38, 1-based): chr1:16,936,712, G>A. VCF-style: chr1-16936712-G-A. GRCh37 (hg19) VCF-style: chr1-17263207-G-A.
Identifiers: ClinVar variation 2638371 (VCV002638371.24), dbSNP rs181280910, ClinGen allele CA634340.

ClinVar aggregate classification (germline): Likely benign (1 of 4 stars; one submission).

Allele frequency attached by ClinVar (database versions not stated): 1000 Genomes Project 30x 0.00094; 1000 Genomes Project 0.00100.
gnomAD v4.1: 308 of 1,606,572 alleles (0.019%); highest among the groups gnomAD compares: Admixed American, 0.095%; no homozygotes.

Submission:

CeGaT Center for Human Genetics Tuebingen
Classification: Likely benign. Last evaluated: 2022-04-01. Review status: criteria provided, single submitter. Criteria: CeGaT Center For Human Genetics Tuebingen Variant Classification Criteria Version 2. Collection method: clinical testing. Allele origin: germline. Affected: yes. Observed: 1 variant allele.
Comment: CROCC: BP4, BP7